The following is an entry in ClinVar:

ClinVar aggregate classification (germline): Uncertain significance (1 of 4 stars; one submission).

Conditions:
Candidiasis, familial, 9 (CANDF9). Identifiers: Orphanet 1334, MedGen C4225324, MONDO:0014642, OMIM 616445.

Submission:

Labcorp Genetics (formerly Invitae), Labcorp
Classification: Uncertain significance for Candidiasis, familial, 9. Last evaluated: 2024-05-09. Review status: criteria provided, single submitter. Criteria: Invitae Variant Classification Sherloc (09022015). Collection method: clinical testing. Allele origin: germline.
Comment: This sequence change replaces glutamic acid, which is acidic and polar, with aspartic acid, which is acidic and polar, at codon 148 of the IL17RC protein (p.Glu148Asp). This variant is not present in population databases (gnomAD no frequency). This variant has not been reported in the literature in individuals affected with IL17RC-related conditions. Algorithms developed to predict the effect of missense changes on protein structure and function output the following: SIFT: "Not Available"; PolyPhen-2: "Benign"; Align-GVGD: "Not Available". The aspartic acid amino acid residue is found in multiple mammalian species, which suggests that this missense change does not adversely affect protein function. In summary, the available evidence is currently insufficient to determine the role of this variant in disease. Therefore, it has been classified as a Variant of Uncertain Significance.

NM_153460.4(IL17RC):c.231G>T (p.Glu77Asp)

Gene: IL17RC (interleukin 17 receptor C; plus strand). Cytogenetic location: 3p25.3.
Variant type: single nucleotide variant.
Coding change: c.231G>T on transcript NM_153460.4 (MANE Select); coding-DNA position 231, G replaced by T.
Protein change: p.Glu77Asp; replaces glutamic acid 77 with aspartic acid.
Molecular consequence: missense variant. On other transcripts: non-coding transcript variant (1).
Genome position (GRCh38, 1-based): chr3:9,918,026, G>T. VCF-style: chr3-9918026-G-T. GRCh37 (hg19) VCF-style: chr3-9959710-G-T.
Other names: c.231G>T, p.Glu77Asp (NM_001203263.2, NM_001203264.2, NM_001203265.2 and 5 more transcripts); c.444G>T, p.Glu148Asp (NM_153461.4); short protein forms E148D, E77D.
Identifiers: ClinVar variation 3652784 (VCV003652784.2).